The following is an entry in ClinVar:

NM_000214.3(JAG1):c.1936G>A (p.Asp646Asn)

Gene: JAG1 (jagged canonical Notch ligand 1; minus strand). Cytogenetic location: 20p12.2.
Variant type: single nucleotide variant.
Coding change: c.1936G>A on transcript NM_000214.3 (MANE Select); coding-DNA position 1936, G replaced by A.
Protein change: p.Asp646Asn; replaces aspartic acid 646 with asparagine.
Molecular consequence: missense variant.
Genome position (GRCh38, 1-based): chr20:10,646,034, C>T on the plus strand (G>A on the coding strand, the complement: JAG1 is on the minus strand). VCF-style: chr20-10646034-C-T. GRCh37 (hg19) VCF-style: chr20-10626682-C-T.
Other names: short protein forms D646N.
Identifiers: ClinVar variation 1782970 (VCV001782970.3), dbSNP rs748640724, ClinGen allele CA9764700.

ClinVar aggregate classification (germline): Uncertain significance. Review status: criteria provided, multiple submitters, no conflicts (2 of 4 stars). 2 submissions from 2 submitters: Uncertain significance (2). Last evaluated 2025-12-09.

Conditions:
Alagille syndrome due to a JAG1 point mutation. Also called: HEPATIC DUCTULAR HYPOPLASIA, SYNDROMATIC; Alagille Syndrome 1; JAG1-Related Alagille Syndrome. Identifiers: Orphanet 261619, Orphanet 52, MedGen C1956125, MONDO:0016862, OMIM 118450.
Cardiovascular phenotype. Identifiers: MedGen CN230736.

Allele frequency attached by ClinVar (database versions not stated): gnomAD exomes below 0.00001; ExAC 0.00001; gnomAD 0.00001; TOPMed 0.00001.
gnomAD v4.1: 3 of 1,613,884 alleles (0.00019%); highest among the groups gnomAD compares: South Asian, 0.0011%; no homozygotes.

Submissions (2):

Labcorp Genetics (formerly Invitae), Labcorp
Classification: Uncertain significance for Alagille syndrome due to a JAG1 point mutation. Last evaluated: 2025-12-09. Review status: criteria provided, single submitter. Criteria: Invitae Variant Classification Sherloc (09022015). Collection method: clinical testing. Allele origin: germline.
Comment: This sequence change replaces aspartic acid, which is acidic and polar, with asparagine, which is neutral and polar, at codon 646 of the JAG1 protein (p.Asp646Asn). This variant is present in population databases (rs748640724, gnomAD 0.01%). This variant has not been reported in the literature in individuals affected with JAG1-related conditions. ClinVar contains an entry for this variant (Variation ID: 1782970). Invitae Evidence Modeling of protein sequence and biophysical properties (such as structural, functional, and spatial information, amino acid conservation, physicochemical variation, residue mobility, and thermodynamic stability) indicates that this missense variant is expected to disrupt JAG1 protein function with a positive predictive value of 95%. In summary, the available evidence is currently insufficient to determine the role of this variant in disease. Therefore, it has been classified as a Variant of Uncertain Significance.

Ambry Genetics
Classification: Uncertain significance for Cardiovascular phenotype. Last evaluated: 2022-09-19. Review status: criteria provided, single submitter. Criteria: Ambry Variant Classification Scheme 2023. Collection method: clinical testing. Allele origin: germline.
Comment: The p.D646N variant (also known as c.1936G>A), located in coding exon 15 of the JAG1 gene, results from a G to A substitution at nucleotide position 1936. The aspartic acid at codon 646 is replaced by asparagine, an amino acid with highly similar properties. This amino acid position is conserved. In addition, this alteration is predicted to be tolerated by in silico analysis. Since supporting evidence is limited at this time, the clinical significance of this alteration remains unclear.